The following is an entry in ClinVar:

NM_000350.3(ABCA4):c.5908C>A (p.Leu1970Ile)

Gene: ABCA4 (ATP binding cassette subfamily A member 4; minus strand). Cytogenetic location: 1p22.1.
Variant type: single nucleotide variant.
Coding change: c.5908C>A on transcript NM_000350.3 (MANE Select); coding-DNA position 5908, C replaced by A.
Protein change: p.Leu1970Ile; replaces leucine 1970 with isoleucine.
Molecular consequence: missense variant.
Genome position (GRCh38, 1-based): chr1:94,007,731, G>T on the plus strand (C>A on the coding strand, the complement: ABCA4 is on the minus strand). VCF-style: chr1-94007731-G-T. GRCh37 (hg19) VCF-style: chr1-94473287-G-T.
Other names: c.5686C>A, p.Leu1896Ile (NM_001425324.1); short protein forms L1970I, L1896I.
Identifiers: ClinVar variation 1392712 (VCV001392712.8), dbSNP rs28938473, ClinGen allele CA341279712.

ClinVar aggregate classification (germline): Likely pathogenic (1 of 4 stars; one submission).

Submission:

Labcorp Genetics (formerly Invitae), Labcorp
Classification: Likely pathogenic. Last evaluated: 2022-01-04. Review status: criteria provided, single submitter. Criteria: Invitae Variant Classification Sherloc (09022015). Collection method: clinical testing. Allele origin: germline.
Comment: This sequence change replaces leucine, which is neutral and non-polar, with isoleucine, which is neutral and non-polar, at codon 1970 of the ABCA4 protein (p.Leu1970Ile). This variant is not present in population databases (gnomAD no frequency). This missense change has been observed in individual(s) with Stargardt disease (Invitae). Advanced modeling of protein sequence and biophysical properties (such as structural, functional, and spatial information, amino acid conservation, physicochemical variation, residue mobility, and thermodynamic stability) performed at Invitae indicates that this missense variant is expected to disrupt ABCA4 protein function. In summary, the currently available evidence indicates that the variant is pathogenic, but additional data are needed to prove that conclusively. Therefore, this variant has been classified as Likely Pathogenic.